The following is an entry in ClinVar:

NM_000062.3(SERPING1):c.1223A>G (p.Asp408Gly)

Gene: SERPING1 (serpin family G member 1; plus strand). Cytogenetic location: 11q12.1.
Variant type: single nucleotide variant.
Coding change: c.1223A>G on transcript NM_000062.3 (MANE Select); coding-DNA position 1223, A replaced by G.
Protein change: p.Asp408Gly; replaces aspartic acid 408 with glycine.
Molecular consequence: missense variant.
Genome position (GRCh38, 1-based): chr11:57,611,910, A>G. VCF-style: chr11-57611910-A-G. GRCh37 (hg19) VCF-style: chr11-57379383-A-G.
Other names: c.1223A>G, p.Asp408Gly (NM_001032295.2); short protein forms D408G.
Identifiers: ClinVar variation 1753560 (VCV001753560.7), dbSNP rs2495452880, ClinGen allele CA380703458.

ClinVar aggregate classification (germline): Pathogenic/Likely pathogenic. Review status: criteria provided, multiple submitters, no conflicts (2 of 4 stars). 2 submissions from 2 submitters: Pathogenic (1); Likely pathogenic (1). Last evaluated 2024-04-25.

Conditions:
Inborn genetic diseases. Identifiers: MedGen C0950123, MeSH D030342.

Submissions (2):

Labcorp Genetics (formerly Invitae), Labcorp
Classification: Pathogenic. Last evaluated: 2024-04-25. Review status: criteria provided, single submitter. Criteria: Invitae Variant Classification Sherloc (09022015). Collection method: clinical testing. Allele origin: germline.
Comment: This sequence change replaces aspartic acid, which is acidic and polar, with glycine, which is neutral and non-polar, at codon 408 of the SERPING1 protein (p.Asp408Gly). This variant is not present in population databases (gnomAD no frequency). This missense change has been observed in individuals with hereditary angioedema (PMID: 23123409, 26535898, 35821062; Invitae). This variant is also known as p.Asp386Gly. ClinVar contains an entry for this variant (Variation ID: 1753560). Advanced modeling of protein sequence and biophysical properties (such as structural, functional, and spatial information, amino acid conservation, physicochemical variation, residue mobility, and thermodynamic stability) has been performed at Invitae for this missense variant, however the output from this modeling did not meet the statistical confidence thresholds required to predict the impact of this variant on SERPING1 protein function. Algorithms developed to predict the effect of sequence changes on RNA splicing suggest that this variant may disrupt the consensus splice site. This variant disrupts the p.Asp408 amino acid residue in SERPING1. Other variant(s) that disrupt this residue have been observed in individuals with SERPING1-related conditions (PMID: 14635117, 23123409, 26535898), which suggests that this may be a clinically significant amino acid residue. For these reasons, this variant has been classified as Pathogenic.

Ambry Genetics
Classification: Likely pathogenic for Inborn genetic diseases. Last evaluated: 2017-11-20. Review status: criteria provided, single submitter. Criteria: Ambry Variant Classification Scheme 2023. Collection method: clinical testing. Allele origin: germline.
Comment: The p.D408G variant (also known as c.1223A>G), located in coding exon 6 of the SERPING1 gene, results from an A to G substitution at nucleotide position 1223. The aspartic acid at codon 408 is replaced by glycine, an amino acid with similar properties. This variant was identified in individuals with a diagnosis of hereditary angioedema (Martinho A et al. Mol. Immunol., 2013 Apr;53:431-4; Andrejevi S et al. PLoS ONE, 2015 Nov;10:e0142174). This amino acid position is well conserved in available vertebrate species. In addition, this alteration is predicted to be deleterious by in silico analysis. Based on the majority of available evidence to date, this variant is likely to be pathogenic.

Literature cited by the submitters: PubMed 23123409 (cited by Labcorp Genetics (formerly Invitae), Labcorp and Ambry Genetics); PubMed 26535898 (cited by Labcorp Genetics (formerly Invitae), Labcorp and Ambry Genetics); PubMed 35821062 (cited by Labcorp Genetics (formerly Invitae), Labcorp); PubMed 14635117 (cited by Labcorp Genetics (formerly Invitae), Labcorp).